The following is an entry in ClinVar:

ClinVar aggregate classification (germline): Likely benign. Review status: criteria provided, multiple submitters, no conflicts (2 of 4 stars). 5 submissions from 5 submitters: Likely benign (3). 2 of the submissions do not count toward it. Last evaluated 2025-09-01.

Conditions:
Hemolytic uremic syndrome, atypical, susceptibility to, 1. Also called: AHUS, SUSCEPTIBILITY TO, 1. Identifiers: Orphanet 2134, Orphanet 90038, MedGen C2749604, MONDO:0009335, OMIM 235400. Disease mechanism: Other.
Age related macular degeneration 1 (ARMD1). Also called: MACULOPATHY, AGE-RELATED, 1. Identifiers: MedGen C1864205, MONDO:0011285, OMIM 603075.

Allele frequency attached by ClinVar (database versions not stated): gnomAD 0.00104 and 0.00112; gnomAD exomes 0.00113 and 0.00188; ExAC 0.00147; ESP Exome Variant Server 0.00176.
gnomAD v4.1: 2,690 of 1,510,522 alleles (0.18%); highest among the groups gnomAD compares: Non-Finnish European, 0.22%; 427 homozygotes.

Submissions (5):

CeGaT Center for Human Genetics Tuebingen
Classification: Likely benign. Last evaluated: 2025-09-01. Review status: criteria provided, single submitter. Criteria: CeGaT Center For Human Genetics Tuebingen Variant Classification Criteria Version 2. Collection method: clinical testing. Allele origin: germline. Affected: yes. Observed: 2 variant alleles.
Comment: CFHR3: BP4, BS2

Fulgent Genetics
Classification: Likely benign for Hemolytic uremic syndrome, atypical, susceptibility to, 1; Age related macular degeneration 1. Last evaluated: 2022-03-31. Review status: criteria provided, single submitter. Criteria: ACMG Guidelines, 2015. Collection method: clinical testing. Allele origin: unknown.

Labcorp Genetics (formerly Invitae), Labcorp
Classification: Likely benign. Last evaluated: 2019-12-31. Review status: criteria provided, single submitter. Criteria: Invitae Variant Classification Sherloc (09022015). Collection method: clinical testing. Allele origin: germline.

Genome Diagnostics Laboratory, University Medical Center Utrecht
Classification: Likely benign. Review status: no assertion criteria provided. Collection method: clinical testing. Allele origin: germline. Affected: yes. Study: VKGL Data-share Consensus. Not counted in ClinVar's aggregate classification.

Joint Genome Diagnostic Labs from Nijmegen and Maastricht, Radboudumc and MUMC+
Classification: Likely benign. Review status: no assertion criteria provided. Collection method: clinical testing. Allele origin: germline. Affected: yes. Study: VKGL Data-share Consensus. Not counted in ClinVar's aggregate classification.

NM_021023.6(CFHR3):c.805A>G (p.Ile269Val)

Gene: CFHR3 (complement factor H related 3; plus strand). Cytogenetic location: 1q31.3.
Variant type: single nucleotide variant.
Coding change: c.805A>G on transcript NM_021023.6 (MANE Select); coding-DNA position 805, A replaced by G.
Protein change: p.Ile269Val; replaces isoleucine 269 with valine.
Molecular consequence: missense variant.
Genome position (GRCh38, 1-based): chr1:196,793,325, A>G. VCF-style: chr1-196793325-A-G. GRCh37 (hg19) VCF-style: chr1-196762455-A-G.
Other names: c.622A>G, p.Ile208Val (NM_001166624.2); short protein forms I269V, I208V.
Identifiers: ClinVar variation 774401 (VCV000774401.33), dbSNP rs139520520, ClinGen allele CA1306294.